The following is an entry in ClinVar:

NM_145861.4(EDARADD):c.600C>T (p.Asp200=)

Gene: EDARADD (EDAR associated via death domain; plus strand). Cytogenetic location: 1q43.
Variant type: single nucleotide variant.
Coding change: c.600C>T on transcript NM_145861.4 (MANE Select); coding-DNA position 600, C replaced by T.
Protein change: p.Asp200=; no amino-acid change (aspartic acid 200 retained).
Molecular consequence: synonymous variant.
Genome position (GRCh38, 1-based): chr1:236,482,601, C>T. VCF-style: chr1-236482601-C-T. GRCh37 (hg19) VCF-style: chr1-236645901-C-T.
Other names: c.534C>T, p.Asp178= (NM_001422628.1); c.570C>T, p.Asp190= (NM_080738.5).
Identifiers: ClinVar variation 296452 (VCV000296452.9), dbSNP rs74942492, ClinGen allele CA1470101.

ClinVar aggregate classification (germline): Likely benign. Review status: criteria provided, multiple submitters, no conflicts (2 of 4 stars). 2 submissions from 2 submitters: Likely benign (2). Last evaluated 2018-01-13.

Conditions:
Hypohidrotic ectodermal dysplasia (HED). Identifiers: Orphanet 238468, MedGen C5848103, MONDO:0016535, HP:0007607.

Allele frequency attached by ClinVar (database versions not stated): TOPMed 0.00006; 1000 Genomes Project 30x 0.00047; gnomAD 0.00003; ESP Exome Variant Server 0.00008; 1000 Genomes Project 0.00060.
gnomAD v4.1: 171 of 1,612,634 alleles (0.011%); highest among the groups gnomAD compares: East Asian, 0.2%; no homozygotes.

Submissions (2):

Illumina Laboratory Services, Illumina
Classification: Likely benign for Hypohidrotic ectodermal dysplasia. Last evaluated: 2018-01-13. Review status: criteria provided, single submitter. Criteria: ICSL Variant Classification Criteria 13 December 2019. Collection method: clinical testing. Allele origin: germline.
Comment: This variant was observed in the ICSL laboratory as part of a predisposition screen in an ostensibly healthy population. It had not been previously curated by ICSL or reported in the Human Gene Mutation Database (HGMD: prior to June 1st, 2018), and was therefore a candidate for classification through an automated scoring system. Utilizing variant allele frequency, disease prevalence and penetrance estimates, and inheritance mode, an automated score was calculated to assess if this variant is too frequent to cause the disease. Based on the score and internal cut-off values, a variant classified as likely benign is not then subjected to further curation. The score for this variant resulted in a classification of likely benign for this disease.

Labcorp Genetics (formerly Invitae), Labcorp
Classification: Likely benign. Last evaluated: 2017-06-07. Review status: criteria provided, single submitter. Criteria: Invitae Variant Classification Sherloc (09022015). Collection method: clinical testing. Allele origin: germline.